The following is an entry in ClinVar:

ClinVar aggregate classification (germline): Uncertain significance (1 of 4 stars; one submission).

Submission:

Labcorp Genetics (formerly Invitae), Labcorp
Classification: Uncertain significance. Last evaluated: 2022-05-20. Review status: criteria provided, single submitter. Criteria: Invitae Variant Classification Sherloc (09022015). Collection method: clinical testing. Allele origin: germline.
Comment: In summary, the available evidence is currently insufficient to determine the role of this variant in disease. Therefore, it has been classified as a Variant of Uncertain Significance. This variant has not been reported in the literature in individuals affected with FBXO11-related conditions. This variant is not present in population databases (gnomAD no frequency). This variant, c.135_140dup, results in the insertion of 2 amino acid(s) of the FBXO11 protein (p.Pro48_Pro49dup), but otherwise preserves the integrity of the reading frame.

NM_001190274.2(FBXO11):c.135_140dup (p.Pro49_Gln50insProPro)

Genes: FBXO11 (F-box protein 11; minus strand), LOC100506235 (uncharacterized LOC100506235; plus strand). Cytogenetic location: 2p16.3.
Variant type: Duplication.
Coding change: c.135_140dup on transcript NM_001190274.2 (MANE Select); coding-DNA positions 135 to 140, 6 bases duplicated (TCCGCC; older notation c.135_140dupTCCGCC).
Protein change: p.Pro49_Gln50insProPro.
Molecular consequence: non-coding transcript variant (on NR_187636.1).
Genome position (GRCh38, 1-based): chr2:47,905,581-47,905,586, GGCGGA duplicated on the plus strand (TCCGCC on the coding strand, the reverse complement: FBXO11 is on the minus strand); duplicating any 6 consecutive bases within chr2:47,905,581-47,905,589 gives the same sequence; the c. name uses the placement nearest the transcript's 3' end. VCF-style (leftmost placement, unchanged base first): chr2-47905580-C-CGGCGGA. GRCh37 (hg19) VCF-style: chr2-48132719-C-CGGCGGA.
Identifiers: ClinVar variation 1935639 (VCV001935639.5), dbSNP rs1017331113, ClinGen allele CA47236590.